The following is an entry in ClinVar:

ClinVar aggregate classification (germline): Likely pathogenic (1 of 4 stars; one submission).

Conditions:
Propionic acidemia (PROP). Also called: GLYCINEMIA, KETOTIC; HYPERGLYCINEMIA WITH KETOACIDOSIS AND LEUKOPENIA; KETOTIC HYPERGLYCINEMIA. Identifiers: Orphanet 35, MedGen C0268579, MONDO:0011628, OMIM 606054, HP:0003571.

Allele frequency attached by ClinVar (database versions not stated): gnomAD exomes below 0.00001.

Submission:

Labcorp Genetics (formerly Invitae), Labcorp
Classification: Likely pathogenic for Propionic acidemia. Last evaluated: 2022-04-08. Review status: criteria provided, single submitter. Criteria: Invitae Variant Classification Sherloc (09022015). Collection method: clinical testing. Allele origin: germline.
Comment: This sequence change affects a donor splice site in intron 2 of the PCCB gene. It is expected to disrupt RNA splicing. Variants that disrupt the donor or acceptor splice site typically lead to a loss of protein function (PMID: 16199547), and loss-of-function variants in PCCB are known to be pathogenic (PMID: 15464417). This variant is not present in population databases (gnomAD no frequency). This variant has not been reported in the literature in individuals affected with PCCB-related conditions. Algorithms developed to predict the effect of sequence changes on RNA splicing suggest that this variant may disrupt the consensus splice site. In summary, the currently available evidence indicates that the variant is pathogenic, but additional data are needed to prove that conclusively. Therefore, this variant has been classified as Likely Pathogenic.

Literature cited by the submitters: PubMed 16199547; PubMed 15464417.

NM_000532.5(PCCB):c.303+1G>T

Gene: PCCB (propionyl-CoA carboxylase subunit beta; plus strand). Cytogenetic location: 3q22.3.
Variant type: single nucleotide variant.
Coding change: c.303+1G>T on transcript NM_000532.5 (MANE Select); the canonical splice donor site of the intron after coding-DNA position 303, G replaced by T.
Molecular consequence: splice donor variant.
Genome position (GRCh38, 1-based): chr3:136,255,976, G>T. VCF-style: chr3-136255976-G-T. GRCh37 (hg19) VCF-style: chr3-135974818-G-T.
Other names: c.303+1G>T (NM_001178014.2).
Identifiers: ClinVar variation 1473264 (VCV001473264.6), dbSNP rs1941662983, ClinGen allele CA354738626.